The following is an entry in ClinVar:

NM_198578.4(LRRK2):c.2488A>G (p.Arg830Gly)

Gene: LRRK2 (leucine rich repeat kinase 2; plus strand). Cytogenetic location: 12q12.
Variant type: single nucleotide variant.
Coding change: c.2488A>G on transcript NM_198578.4 (MANE Select); coding-DNA position 2488, A replaced by G.
Protein change: p.Arg830Gly; replaces arginine 830 with glycine.
Molecular consequence: missense variant.
Genome position (GRCh38, 1-based): chr12:40,284,121, A>G. VCF-style: chr12-40284121-A-G. GRCh37 (hg19) VCF-style: chr12-40677923-A-G.
Other names: short protein forms R830G.
Identifiers: ClinVar variation 2453144 (VCV002453144.2), dbSNP rs2499665558, ClinGen allele CA384407612.

ClinVar aggregate classification (germline): Uncertain significance (1 of 4 stars; one submission).

Conditions:
Inborn genetic diseases. Identifiers: MedGen C0950123, MeSH D030342.

Submission:

Ambry Genetics
Classification: Uncertain significance for Inborn genetic diseases. Last evaluated: 2023-03-08. Review status: criteria provided, single submitter. Criteria: Ambry Variant Classification Scheme 2023. Collection method: clinical testing. Allele origin: germline.
Comment: The p.R830G variant (also known as c.2488A>G), located in coding exon 19 of the LRRK2 gene, results from an A to G substitution at nucleotide position 2488. The arginine at codon 830 is replaced by glycine, an amino acid with dissimilar properties. This amino acid position is conserved. In addition, this alteration is predicted to be deleterious by in silico analysis. Since supporting evidence is limited at this time, the clinical significance of this alteration remains unclear.